The following is an entry in ClinVar:

ClinVar aggregate classification (germline): Likely benign (0 of 4 stars; one submission).

Conditions:
KSR2-related disorder. Also called: KSR2-related condition.

Submission:

PreventionGenetics, part of Exact Sciences
Classification: Likely benign for KSR2-related condition. Last evaluated: 2021-01-11. Review status: no assertion criteria provided. Collection method: clinical testing. Allele origin: germline.
Comment: This variant is classified as likely benign based on ACMG/AMP sequence variant interpretation guidelines (Richards et al. 2015 PMID: 25741868, with internal and published modifications).

NM_173598.6(KSR2):c.2346C>T (p.Ile782=)

Gene: KSR2 (kinase suppressor of ras 2; minus strand). Cytogenetic location: 12q24.22.
Variant type: single nucleotide variant.
Coding change: c.2346C>T on transcript NM_173598.6 (MANE Select); coding-DNA position 2346, C replaced by T.
Protein change: p.Ile782=; no amino-acid change (isoleucine 782 retained).
Molecular consequence: synonymous variant.
Genome position (GRCh38, 1-based): chr12:117,484,520, G>A on the plus strand (C>T on the coding strand, the complement: KSR2 is on the minus strand). VCF-style: chr12-117484520-G-A. GRCh37 (hg19) VCF-style: chr12-117922325-G-A.
Identifiers: ClinVar variation 3358774 (VCV003358774.1).